The following is an entry in ClinVar:

ClinVar aggregate classification (germline): Uncertain significance (1 of 4 stars; one submission).

Conditions:
Fanconi anemia (FA). Also called: Fanconi's anemia. Identifiers: Orphanet 84, MedGen C0015625, MeSH D005199, MONDO:0019391.

Submission:

Labcorp Genetics (formerly Invitae), Labcorp
Classification: Uncertain significance for Fanconi anemia. Last evaluated: 2025-11-03. Review status: criteria provided, single submitter. Criteria: Invitae Variant Classification Sherloc (09022015). Collection method: clinical testing. Allele origin: germline.
Comment: This sequence change affects codon 1242 of the FANCA mRNA. It is a 'silent' change, meaning that it does not change the encoded amino acid sequence of the FANCA protein. This variant is not present in population databases (gnomAD no frequency). This variant has not been reported in the literature in individuals affected with FANCA-related conditions. ClinVar contains an entry for this variant (Variation ID: 2880084). Algorithms developed to predict the effect of sequence changes on RNA splicing suggest that this variant may disrupt the consensus splice site. In summary, the available evidence is currently insufficient to determine the role of this variant in disease. Therefore, it has been classified as a Variant of Uncertain Significance.

NM_000135.4(FANCA):c.3726C>T (p.Ile1242=)

Gene: FANCA (FA complementation group A; minus strand). Cytogenetic location: 16q24.3.
Variant type: single nucleotide variant.
Coding change: c.3726C>T on transcript NM_000135.4 (MANE Select); coding-DNA position 3726, C replaced by T.
Protein change: p.Ile1242=; no amino-acid change (isoleucine 1242 retained).
Molecular consequence: synonymous variant.
Genome position (GRCh38, 1-based): chr16:89,742,839, G>A on the plus strand (C>T on the coding strand, the complement: FANCA is on the minus strand). VCF-style: chr16-89742839-G-A. GRCh37 (hg19) VCF-style: chr16-89809247-G-A.
Other names: c.3726C>T, p.Ile1242= (NM_001286167.3).
Identifiers: ClinVar variation 2880084 (VCV002880084.3), dbSNP rs972127356, ClinGen allele CA497194927.